The following is an entry in ClinVar:

NM_001370298.3(FGD4):c.167-61986C>T

Gene: FGD4 (FYVE, RhoGEF and PH domain containing 4; plus strand). Cytogenetic location: 12p11.21.
Variant type: single nucleotide variant.
Coding change: c.167-61986C>T on transcript NM_001370298.3 (MANE Select); 61986 bases into the intron before coding-DNA position 167, C replaced by T.
Molecular consequence: intron variant. On other transcripts: 5 prime UTR variant (1).
Genome position (GRCh38, 1-based): chr12:32,502,151, C>T. VCF-style: chr12-32502151-C-T. GRCh37 (hg19) VCF-style: chr12-32655085-C-T.
Other names: c.-433C>T (NM_139241.3); c.167-61986C>T (NM_001384126.1); c.10+16008C>T (NM_001304481.2); c.-341+16008C>T (NM_001330374.2).
Identifiers: ClinVar variation 308277 (VCV000308277.7), dbSNP rs11052033, ClinGen allele CA10641835.

ClinVar aggregate classification (germline): Benign. Review status: criteria provided, multiple submitters, no conflicts (2 of 4 stars). 3 submissions from 3 submitters: Benign (3). Last evaluated 2020-02-21.

Conditions:
Charcot-Marie-Tooth disease type 4H (CMT4H). Also called: CHARCOT-MARIE-TOOTH DISEASE, AUTOSOMAL RECESSIVE, TYPE 4H; CHARCOT-MARIE-TOOTH DISEASE, DEMYELINATING, AUTOSOMAL RECESSIVE, TYPE 4H; CHARCOT-MARIE-TOOTH NEUROPATHY, TYPE 4H; CHARCOT-MARIE-TOOTH DISEASE, DEMYELINATING, TYPE 4H. Identifiers: Orphanet 99954, MedGen C1836336, MONDO:0012250, OMIM 609311.

Allele frequency attached by ClinVar (database versions not stated): 1000 Genomes Project 30x 0.03795; TOPMed 0.05057; gnomAD 0.04887 and 0.05001; 1000 Genomes Project 0.03974.
gnomAD v4.1: 69,743 of 985,422 alleles (7.1%); highest among the groups gnomAD compares: South Asian, 10%; 2,665 homozygotes.

Submissions (3):

GeneDx
Classification: Benign. Last evaluated: 2020-02-21. Review status: criteria provided, single submitter. Criteria: GeneDx Variant Classification Process June 2021. Collection method: clinical testing. Allele origin: germline. Affected: yes.

Illumina Laboratory Services, Illumina
Classification: Benign for Charcot-Marie-Tooth disease type 4H. Last evaluated: 2018-01-13. Review status: criteria provided, single submitter. Criteria: ICSL Variant Classification Criteria 13 December 2019. Collection method: clinical testing. Allele origin: germline.
Comment: This variant was observed in the ICSL laboratory as part of a predisposition screen in an ostensibly healthy population. It had not been previously curated by ICSL or reported in the Human Gene Mutation Database (HGMD: prior to June 1st, 2018), and was therefore a candidate for classification through an automated scoring system. Utilizing variant allele frequency, disease prevalence and penetrance estimates, and inheritance mode, an automated score was calculated to assess if this variant is too frequent to cause the disease. Based on the score and internal cut-off values, a variant classified as benign is not then subjected to further curation. The score for this variant resulted in a classification of benign for this disease.

Breakthrough Genomics
Classification: Benign. Review status: criteria provided, single submitter. Criteria: ACMG Guidelines, 2015. Collection method: not provided. Allele origin: germline. Inheritance: Autosomal recessive inheritance. Affected: yes.